The following is an entry in ClinVar:

NM_001036.6(RYR3):c.6226G>A (p.Val2076Met)

Gene: RYR3 (ryanodine receptor 3; plus strand). Cytogenetic location: 15q14.
Variant type: single nucleotide variant.
Coding change: c.6226G>A on transcript NM_001036.6 (MANE Select); coding-DNA position 6226, G replaced by A.
Protein change: p.Val2076Met; replaces valine 2076 with methionine.
Molecular consequence: missense variant.
Genome position (GRCh38, 1-based): chr15:33,697,973, G>A. VCF-style: chr15-33697973-G-A. GRCh37 (hg19) VCF-style: chr15-33990174-G-A.
Other names: c.6226G>A, p.Val2076Met (NM_001243996.4); c.6226G>A (NM_001036.3); short protein forms V2076M.
Identifiers: ClinVar variation 530971 (VCV000530971.11), dbSNP rs760123258, ClinGen allele CA7459485.

ClinVar aggregate classification (germline): Uncertain significance. Review status: criteria provided, multiple submitters, no conflicts (2 of 4 stars). 2 submissions from 2 submitters: Uncertain significance (2). Last evaluated 2022-07-12.

Conditions:
Epileptic encephalopathy. Identifiers: MedGen C0543888, HP:0200134.

Allele frequency attached by ClinVar (database versions not stated): ExAC 0.00002; gnomAD exomes 0.00001; gnomAD 0.00001; TOPMed 0.00001.
gnomAD v4.1: 8 of 1,612,904 alleles (0.0005%); highest among the groups gnomAD compares: South Asian, 0.0011%; no homozygotes.

Submissions (2):

Labcorp Genetics (formerly Invitae), Labcorp
Classification: Uncertain significance for Epileptic encephalopathy. Last evaluated: 2022-07-12. Review status: criteria provided, single submitter. Criteria: Invitae Variant Classification Sherloc (09022015). Collection method: clinical testing. Allele origin: germline.
Comment: Algorithms developed to predict the effect of missense changes on protein structure and function are either unavailable or do not agree on the potential impact of this missense change (SIFT: "Deleterious"; PolyPhen-2: "Probably Damaging"; Align-GVGD: "Class C15"). This sequence change replaces valine, which is neutral and non-polar, with methionine, which is neutral and non-polar, at codon 2076 of the RYR3 protein (p.Val2076Met). This variant is present in population databases (rs760123258, gnomAD 0.003%). This variant has not been reported in the literature in individuals affected with RYR3-related conditions. ClinVar contains an entry for this variant (Variation ID: 530971). In summary, the available evidence is currently insufficient to determine the role of this variant in disease. Therefore, it has been classified as a Variant of Uncertain Significance.

Ambry Genetics
Classification: Uncertain significance. Last evaluated: 2021-12-03. Review status: criteria provided, single submitter. Criteria: Ambry Variant Classification Scheme 2023. Collection method: clinical testing. Allele origin: germline.